The following is an entry in ClinVar:

ClinVar aggregate classification (germline): Uncertain significance (1 of 4 stars; one submission).

Allele frequency attached by ClinVar (database versions not stated): TOPMed 0.00001.
gnomAD v4.1: 7 of 1,613,760 alleles (0.00043%); highest among the groups gnomAD compares: Non-Finnish European, 0.00059%; no homozygotes.

Submission:

Laboratory for Molecular Medicine, Mass General Brigham Personalized Medicine
Classification: Uncertain significance. Last evaluated: 2020-06-17. Review status: criteria provided, single submitter. Criteria: LMM Criteria. Collection method: clinical testing. Allele origin: germline. Observed: 1 variant allele.
Comment: The p.Glu1551Lys variant in TECTA has not been previously reported in individuals with hearing loss but has been identified in 0.006% (1/15436) of European chromosomes by gnomAD. Computational prediction tools and conservation analyses suggest that this variant may impact the protein, though this information is not predictive enough to determine pathogenicity. In summary, the clinical significance of this variant is uncertain. ACMG/AMP Criteria applied: PM2, PP3.

NM_005422.4(TECTA):c.4651G>A (p.Glu1551Lys)

Genes: TBCEL-TECTA (TBCEL-TECTA readthrough; plus strand), TECTA (tectorin alpha; plus strand). Cytogenetic location: 11q23.3.
Variant type: single nucleotide variant.
Coding change: c.4651G>A on transcript NM_005422.4 (MANE Select); coding-DNA position 4651, G replaced by A.
Protein change: p.Glu1551Lys; replaces glutamic acid 1551 with lysine.
Molecular consequence: missense variant.
Genome position (GRCh38, 1-based): chr11:121,158,186, G>A. VCF-style: chr11-121158186-G-A. GRCh37 (hg19) VCF-style: chr11-121028895-G-A.
Other names: c.5608G>A, p.Glu1870Lys (NM_001378761.1); short protein forms E1551K, E1870K.
Identifiers: ClinVar variation 1120106 (VCV001120106.4), dbSNP rs1452561308, ClinGen allele CA383027922.